The following is an entry in ClinVar:

NM_176787.5(PIGN):c.343+1G>A

Gene: PIGN (phosphatidylinositol glycan anchor biosynthesis class N; minus strand). Cytogenetic location: 18q21.33.
Variant type: single nucleotide variant.
Coding change: c.343+1G>A on transcript NM_176787.5 (MANE Select); the canonical splice donor site of the intron after coding-DNA position 343, G replaced by A.
Molecular consequence: splice donor variant.
Genome position (GRCh38, 1-based): chr18:62,157,686, C>T on the plus strand (G>A on the coding strand, the complement: PIGN is on the minus strand). VCF-style: chr18-62157686-C-T. GRCh37 (hg19) VCF-style: chr18-59824919-C-T.
Other names: c.343+1G>A (NM_012327.6).
Identifiers: ClinVar variation 2826199 (VCV002826199.3), dbSNP rs2036788917, ClinGen allele CA402603524.

ClinVar aggregate classification (germline): Likely pathogenic (1 of 4 stars; one submission).

Conditions:
Multiple congenital anomalies-hypotonia-seizures syndrome 1 (MCAHS1). Also called: GLYCOSYLPHOSPHATIDYLINOSITOL BIOSYNTHESIS DEFECT 3; Congenital disorder of glycosylation due to PIGN deficiency; PIGN-CDG. Identifiers: Orphanet 280633, MedGen C3279775, MONDO:0013563, OMIM 614080.

Submission:

Labcorp Genetics (formerly Invitae), Labcorp
Classification: Likely pathogenic for Multiple congenital anomalies-hypotonia-seizures syndrome 1. Last evaluated: 2023-01-05. Review status: criteria provided, single submitter. Criteria: Invitae Variant Classification Sherloc (09022015). Collection method: clinical testing. Allele origin: germline.
Comment: This sequence change affects a donor splice site in intron 5 of the PIGN gene. It is expected to disrupt RNA splicing. Variants that disrupt the donor or acceptor splice site typically lead to a loss of protein function (PMID: 16199547), and loss-of-function variants in PIGN are known to be pathogenic (PMID: 24253414, 27038415). This variant is not present in population databases (gnomAD no frequency). In summary, the currently available evidence indicates that the variant is pathogenic, but additional data are needed to prove that conclusively. Therefore, this variant has been classified as Likely Pathogenic. Algorithms developed to predict the effect of sequence changes on RNA splicing suggest that this variant may disrupt the consensus splice site. This variant has not been reported in the literature in individuals affected with PIGN-related conditions.

Literature cited by the submitters: PubMed 16199547; PubMed 24253414; PubMed 27038415.